The following is an entry in ClinVar:

ClinVar aggregate classification (germline): Uncertain significance (1 of 4 stars; one submission).

Conditions:
Pontocerebellar hypoplasia type 1A (PCH1A). Also called: PONTOCEREBELLAR HYPOPLASIA WITH ANTERIOR HORN CELL DISEASE; PONTOCEREBELLAR HYPOPLASIA WITH INFANTILE SPINAL MUSCULAR ATROPHY. Identifiers: Orphanet 2254, Orphanet 88616, MedGen C1843504, MONDO:0011866, OMIM 607596.

Submission:

Labcorp Genetics (formerly Invitae), Labcorp
Classification: Uncertain significance for Pontocerebellar hypoplasia type 1A. Last evaluated: 2025-10-26. Review status: criteria provided, single submitter. Criteria: Invitae Variant Classification Sherloc (09022015). Collection method: clinical testing. Allele origin: germline.
Comment: This sequence change replaces tryptophan, which is neutral and slightly polar, with glycine, which is neutral and non-polar, at codon 114 of the VRK1 protein (p.Trp114Gly). This variant is not present in population databases (gnomAD no frequency). This variant has not been reported in the literature in individuals affected with VRK1-related conditions. An algorithm developed to predict the effect of missense changes on protein structure and function (PolyPhen-2) suggests that this variant is likely to be tolerated. In summary, the available evidence is currently insufficient to determine the role of this variant in disease. Therefore, it has been classified as a Variant of Uncertain Significance.

NM_003384.3(VRK1):c.340T>G (p.Trp114Gly)

Gene: VRK1 (VRK serine/threonine kinase 1; plus strand). Cytogenetic location: 14q32.2.
Variant type: single nucleotide variant.
Coding change: c.340T>G on transcript NM_003384.3 (MANE Select); coding-DNA position 340, T replaced by G.
Protein change: p.Trp114Gly; replaces tryptophan 114 with glycine.
Molecular consequence: missense variant.
Genome position (GRCh38, 1-based): chr14:96,847,310, T>G. VCF-style: chr14-96847310-T-G. GRCh37 (hg19) VCF-style: chr14-97313647-T-G.
Other names: c.340T>G, p.Trp114Gly (NM_001411051.1, NM_001411053.1); short protein forms W114G.
Identifiers: ClinVar variation 4729558 (VCV004729558.1).